The following is an entry in ClinVar:

ClinVar aggregate classification (germline): Uncertain significance (1 of 4 stars; one submission).

Conditions:
Inborn genetic diseases. Identifiers: MedGen C0950123, MeSH D030342.

Submission:

Ambry Genetics
Classification: Uncertain significance for Inborn genetic diseases. Last evaluated: 2025-05-15. Review status: criteria provided, single submitter. Criteria: Ambry Variant Classification Scheme 2023. Collection method: clinical testing. Allele origin: germline.
Comment: The c.-2C>A variant is located in the 5' untranslated region (5&rsquo; UTR) of the RUNX1 gene. This variant results from a C to A substitution 2 bases upstream from the first translated codon. This nucleotide position is highly conserved in available vertebrate species. Based on the available evidence, the clinical significance of this variant remains unclear.

NM_001754.5(RUNX1):c.-2C>A

Gene: RUNX1 (RUNX family transcription factor 1; minus strand). Cytogenetic location: 21q22.12.
Variant type: single nucleotide variant.
Coding change: c.-2C>A on transcript NM_001754.5 (MANE Select); 2 bases upstream of the start codon, C replaced by A.
Molecular consequence: 5 prime UTR variant.
Genome position (GRCh38, 1-based): chr21:35,048,901, G>T on the plus strand (C>A on the coding strand, the complement: RUNX1 is on the minus strand). VCF-style: chr21-35048901-G-T. GRCh37 (hg19) VCF-style: chr21-36421198-G-T.
Identifiers: ClinVar variation 3948830 (VCV003948830.1).